The following is an entry in ClinVar:

NM_000245.4(MET):c.2730+3G>T

Gene: MET (MET proto-oncogene, receptor tyrosine kinase; plus strand). Cytogenetic location: 7q31.2.
Variant type: single nucleotide variant.
Coding change: c.2730+3G>T on transcript NM_000245.4 (MANE Select); 3 bases into the intron after coding-DNA position 2730, G replaced by T.
Molecular consequence: intron variant. On other transcripts: synonymous variant (1).
Genome position (GRCh38, 1-based): chr7:116,769,794, G>T. VCF-style: chr7-116769794-G-T. GRCh37 (hg19) VCF-style: chr7-116409848-G-T.
Other names: c.2733G>T, p.Val911= (NM_001324401.3); c.2784+3G>T (NM_001127500.3); c.1440+3G>T (NM_001324402.2).
Identifiers: ClinVar variation 3729035 (VCV003729035.2).

ClinVar aggregate classification (germline): Uncertain significance (1 of 4 stars; one submission).

Conditions:
Renal cell carcinoma. Identifiers: Orphanet 217071, MedGen C0007134, MeSH D002292, MONDO:0005086, HP:0005584.

Submission:

Labcorp Genetics (formerly Invitae), Labcorp
Classification: Uncertain significance for Renal cell carcinoma. Last evaluated: 2025-01-15. Review status: criteria provided, single submitter. Criteria: Invitae Variant Classification Sherloc (09022015). Collection method: clinical testing. Allele origin: germline.
Comment: This sequence change falls in intron 12 of the MET gene. It does not directly change the encoded amino acid sequence of the MET protein. It affects a nucleotide within the consensus splice site. This variant is not present in population databases (gnomAD no frequency). This variant has not been reported in the literature in individuals affected with MET-related conditions. Variants that disrupt the consensus splice site are a relatively common cause of aberrant splicing (PMID: 17576681, 9536098). Algorithms developed to predict the effect of sequence changes on RNA splicing suggest that this variant is not likely to affect RNA splicing. In summary, the available evidence is currently insufficient to determine the role of this variant in disease. Therefore, it has been classified as a Variant of Uncertain Significance.

Literature cited by the submitters: PubMed 17576681; PubMed 9536098.